The following is an entry in ClinVar:

NM_020117.11(LARS1):c.772-177G>A

Gene: LARS1 (leucyl-tRNA synthetase 1; minus strand). Cytogenetic location: 5q32.
Variant type: single nucleotide variant.
Coding change: c.772-177G>A on transcript NM_020117.11 (MANE Select); 177 bases into the intron before coding-DNA position 772, G replaced by A.
Molecular consequence: intron variant.
Genome position (GRCh38, 1-based): chr5:146,157,972, C>T on the plus strand (G>A on the coding strand, the complement: LARS1 is on the minus strand). VCF-style: chr5-146157972-C-T. GRCh37 (hg19) VCF-style: chr5-145537535-C-T.
Other names: c.610-177G>A (NM_001317965.2); c.691-177G>A (NM_016460.4); c.634-177G>A (NM_001317964.2).
Identifiers: ClinVar variation 684148 (VCV000684148.1), dbSNP rs2962507, ClinGen allele CA12134076.

ClinVar aggregate classification (germline): Benign (1 of 4 stars; one submission).

Allele frequency attached by ClinVar (database versions not stated): 1000 Genomes Project 30x 0.96377; gnomAD 0.96747; TOPMed 0.96048; 1000 Genomes Project 0.96625.
gnomAD v4.1: 146,982 of 152,262 alleles (97%); highest among the groups gnomAD compares: East Asian, 100%; 71,168 homozygotes.

Submission:

GeneDx
Classification: Benign. Last evaluated: 2018-06-14. Review status: criteria provided, single submitter. Criteria: GeneDx Variant Classification (06012015). Collection method: clinical testing. Allele origin: germline. Affected: yes.
Comment: This variant is considered likely benign or benign based on one or more of the following criteria: it is a conservative change, it occurs at a poorly conserved position in the protein, it is predicted to be benign by multiple in silico algorithms, and/or has population frequency not consistent with disease.